The following is an entry in ClinVar:

NM_013432.5(TONSL):c.2215AGC[7] (p.Ser744_Glu745insSerSer)

Genes: TONSL (tonsoku like, DNA repair protein; minus strand), TONSL-AS1 (TONSL antisense RNA 1; plus strand). Cytogenetic location: 8q24.3.
Variant type: Microsatellite.
Coding change: c.2215AGC[7] on transcript NM_013432.5 (MANE Select); seven copies in a row of the 3-base unit AGC starting at c.2215; the reference has five copies in a row; two copies, 6 bases duplicated.
Protein change: p.Ser744_Glu745insSerSer.
Molecular consequence: inframe insertion.
Genome position (GRCh38, 1-based): chr8:144,436,204-144,436,209, GCTGCT duplicated on the plus strand (AGCAGC on the coding strand, the reverse complement: TONSL is on the minus strand); duplicating any 6 consecutive bases within chr8:144,436,204-144,436,219 gives the same sequence; the position shown is the placement nearest the transcript's 3' end. VCF-style (leftmost placement, unchanged base first): chr8-144436203-A-AGCTGCT. GRCh37 (hg19) VCF-style: chr8-145661586-A-AGCTGCT.
Identifiers: ClinVar variation 1975337 (VCV001975337.5), dbSNP rs747457080, ClinGen allele CA2579281575.

ClinVar aggregate classification (germline): Uncertain significance (1 of 4 stars; one submission).

Submission:

Labcorp Genetics (formerly Invitae), Labcorp
Classification: Uncertain significance. Last evaluated: 2022-08-24. Review status: criteria provided, single submitter. Criteria: Invitae Variant Classification Sherloc (09022015). Collection method: clinical testing. Allele origin: germline.
Comment: In summary, the available evidence is currently insufficient to determine the role of this variant in disease. Therefore, it has been classified as a Variant of Uncertain Significance. This variant has not been reported in the literature in individuals affected with TONSL-related conditions. This variant is not present in population databases (gnomAD no frequency). This variant, c.2224_2229dup, results in the insertion of 2 amino acid(s) of the TONSL protein (p.Ser743_Ser744dup), but otherwise preserves the integrity of the reading frame.